The following is an entry in ClinVar:

ClinVar aggregate classification (germline): Likely benign. Review status: criteria provided, multiple submitters, no conflicts (2 of 4 stars). 3 submissions from 3 submitters: Likely benign (3). Last evaluated 2025-10-26.

Conditions:
Epileptic encephalopathy. Identifiers: MedGen C0543888, HP:0200134.

Allele frequency attached by ClinVar (database versions not stated): TOPMed 0.00002; gnomAD 0.00004.
gnomAD v4.1: 56 of 1,614,048 alleles (0.0035%); highest among the groups gnomAD compares: Middle Eastern, 0.066%; no homozygotes.

Submissions (3):

Labcorp Genetics (formerly Invitae), Labcorp
Classification: Likely benign for Epileptic encephalopathy. Last evaluated: 2025-10-26. Review status: criteria provided, single submitter. Criteria: Invitae Variant Classification Sherloc (09022015). Collection method: clinical testing. Allele origin: germline.

CeGaT Center for Human Genetics Tuebingen
Classification: Likely benign. Last evaluated: 2023-06-01. Review status: criteria provided, single submitter. Criteria: CeGaT Center For Human Genetics Tuebingen Variant Classification Criteria Version 2. Collection method: clinical testing. Allele origin: germline. Affected: yes. Observed: 1 variant allele.
Comment: GABBR2: BP4, BP7

Blueprint Genetics
Classification: Likely benign. Last evaluated: 2022-10-04. Review status: criteria provided, single submitter. Criteria: ACMG Guidelines, 2015. Collection method: clinical testing. Allele origin: germline.

NM_005458.8(GABBR2):c.606G>A (p.Thr202=)

Gene: GABBR2 (gamma-aminobutyric acid type B receptor subunit 2; minus strand). Cytogenetic location: 9q22.33.
Variant type: single nucleotide variant.
Coding change: c.606G>A on transcript NM_005458.8 (MANE Select); coding-DNA position 606, G replaced by A.
Protein change: p.Thr202=; no amino-acid change (threonine 202 retained).
Molecular consequence: synonymous variant.
Genome position (GRCh38, 1-based): chr9:98,541,897, C>T on the plus strand (G>A on the coding strand, the complement: GABBR2 is on the minus strand). VCF-style: chr9-98541897-C-T. GRCh37 (hg19) VCF-style: chr9-101304179-C-T.
Identifiers: ClinVar variation 767434 (VCV000767434.35), dbSNP rs200832069, ClinGen allele CA5152944.